The following is an entry in ClinVar:

ClinVar aggregate classification (germline): Uncertain significance (1 of 4 stars; one submission).

Conditions:
Hereditary cancer-predisposing syndrome. Also called: Neoplastic Syndromes, Hereditary; Hereditary Cancer Syndrome; Hereditary neoplastic syndrome; Tumor predisposition. Identifiers: Orphanet 140162, MedGen C0027672, MeSH D009386, MONDO:0015356.

Submission:

Ambry Genetics
Classification: Uncertain significance for Hereditary cancer-predisposing syndrome. Last evaluated: 2023-04-07. Review status: criteria provided, single submitter. Criteria: Ambry Variant Classification Scheme 2023. Collection method: clinical testing. Allele origin: germline.
Comment: The c.-35_21del56 alteration is spans the 5' UTR and into coding exon 1 of the PTCH1 gene. This affects the methionine residue at the initiation codon (ATG). Variations that modify the initiation codon (ATG) are expected to result in either loss of translation initiation, N-terminal truncation, or cause a shift in the mRNA reading frame; however, there is alternative initiation (or start) codons in other clinically/biologically relevant transcripts. Since supporting evidence is limited at this time, the clinical significance of this alteration remains unclear.

NM_000264.5(PTCH1):c.-35_21del (p.Met1fs)

Genes: PTCH1 (patched 1; minus strand), LOC130002133 (ATAC-STARR-seq lymphoblastoid silent region 20071; plus strand). Cytogenetic location: 9q22.32.
Variant type: Deletion.
Coding change: c.-35_21del on transcript NM_000264.5 (MANE Select); 35 bases upstream of the start codon through coding-DNA position 21, 56 bases deleted.
Protein change: p.Met1fs; shifts the reading frame from methionine 1.
Molecular consequence: frameshift variant, initiator codon variant. On other transcripts: non-coding transcript variant (1), intron variant (3).
Genome position (GRCh38, 1-based): chr9:95,508,341-95,508,396, 56 bases deleted. GRCh37 (hg19): chr9:98,270,626-98,270,681.
Other names: c.-35_21del, p.Met1fs (NM_001354918.2); c.199-1797_199-1742del (NM_001083603.3); c.4-1797_4-1742del (NM_001083602.3, NM_001354919.2); c.-35_21del56 (NM_000264.3); short protein forms M1fs.
Identifiers: ClinVar variation 2564358 (VCV002564358.3), dbSNP rs2538404794, ClinGen allele CA2580616244.